The following is an entry in ClinVar:

ClinVar aggregate classification (germline): Uncertain significance (1 of 4 stars; one submission).

Conditions:
Inflammatory skin and bowel disease, neonatal, 1. Identifiers: Orphanet 294023, MedGen C3280501, MONDO:0013693, OMIM 614328.

Allele frequency attached by ClinVar (database versions not stated): gnomAD exomes below 0.00001; TOPMed below 0.00001.
gnomAD v4.1: 6 of 1,613,972 alleles (0.00037%); highest among the groups gnomAD compares: Non-Finnish European, 0.00042%; no homozygotes.

Submission:

Labcorp Genetics (formerly Invitae), Labcorp
Classification: Uncertain significance for Inflammatory skin and bowel disease, neonatal, 1. Last evaluated: 2021-04-29. Review status: criteria provided, single submitter. Criteria: Invitae Variant Classification Sherloc (09022015). Collection method: clinical testing. Allele origin: germline.
Comment: In summary, the available evidence is currently insufficient to determine the role of this variant in disease. Therefore, it has been classified as a Variant of Uncertain Significance. Algorithms developed to predict the effect of missense changes on protein structure and function do not agree on the potential impact of this missense change (SIFT: "Tolerated"; PolyPhen-2: "Probably Damaging"; Align-GVGD: "Class C0"). This variant has not been reported in the literature in individuals with ADAM17-related disease. This variant is not present in population databases (ExAC no frequency). This sequence change replaces aspartic acid with glycine at codon 636 of the ADAM17 protein (p.Asp636Gly). The aspartic acid residue is highly conserved and there is a moderate physicochemical difference between aspartic acid and glycine.

NM_003183.6(ADAM17):c.1907A>G (p.Asp636Gly)

Genes: ADAM17 (ADAM metallopeptidase domain 17; minus strand), IAH1 (isoamyl acetate hydrolyzing esterase 1 (putative); plus strand). Cytogenetic location: 2p25.1.
Variant type: single nucleotide variant.
Coding change: c.1907A>G on transcript NM_003183.6 (MANE Select); coding-DNA position 1907, A replaced by G.
Protein change: p.Asp636Gly; replaces aspartic acid 636 with glycine.
Molecular consequence: missense variant.
Genome position (GRCh38, 1-based): chr2:9,494,644, T>C on the plus strand (A>G on the coding strand, the complement: ADAM17 is on the minus strand). VCF-style: chr2-9494644-T-C. GRCh37 (hg19) VCF-style: chr2-9634773-T-C.
Other names: c.1907A>G, p.Asp636Gly (LRG_1203t1); short protein forms D636G.
Identifiers: ClinVar variation 575199 (VCV000575199.7), dbSNP rs1048485082, ClinGen allele CA42370309.